The following is an entry in ClinVar:

NR_104088.1(RNU6-8):n.33_34insT

Gene: RNU6-8 (RNA, U6 small nuclear 8; minus strand). Cytogenetic location: 14q12.
Variant type: Insertion.
Molecular consequence: non-coding transcript variant (on NR_104088.1).
Genome position: GRCh38 VCF-style: chr14-32203236-C-CA. GRCh37 (hg19) VCF-style: chr14-32672442-C-CA.
Identifiers: ClinVar variation 4874262 (VCV004874262.2).

ClinVar aggregate classification (germline): Likely benign (1 of 4 stars; one submission).

Submission:

CeGaT Center for Human Genetics Tuebingen
Classification: Likely benign. Last evaluated: 2026-04-01. Review status: criteria provided, single submitter. Criteria: CeGaT Center For Human Genetics Tuebingen Variant Classification Criteria Version 2. Collection method: clinical testing. Allele origin: germline. Affected: yes. Observed: 1 variant allele.
Comment: RNU6-8: BS1